The following is an entry in ClinVar:

NM_000213.5(ITGB4):c.495C>T (p.Ser165=)

Gene: ITGB4 (integrin subunit beta 4; plus strand). Cytogenetic location: 17q25.1.
Variant type: single nucleotide variant.
Coding change: c.495C>T on transcript NM_000213.5 (MANE Select); coding-DNA position 495, C replaced by T.
Protein change: p.Ser165=; no amino-acid change (serine 165 retained).
Molecular consequence: synonymous variant.
Genome position (GRCh38, 1-based): chr17:75,728,402, C>T. VCF-style: chr17-75728402-C-T. GRCh37 (hg19) VCF-style: chr17-73724483-C-T.
Other names: c.495C>T (NM_000213.4); c.495C>T, p.Ser165= (NM_001005619.2, NM_001005731.3, NM_001321123.2).
Identifiers: ClinVar variation 729288 (VCV000729288.15), dbSNP rs75092172, ClinGen allele CA8768689.

ClinVar aggregate classification (germline): Benign/Likely benign. Review status: criteria provided, multiple submitters, no conflicts (2 of 4 stars). 4 submissions from 4 submitters: Benign (1); Likely benign (2). 1 of the submissions does not count toward it. Last evaluated 2026-01-26.

Conditions:
ITGB4-related disorder. Also called: ITGB4-related condition.
Junctional epidermolysis bullosa with pyloric atresia. Also called: EPIDERMOLYSIS BULLOSA, JUNCTIONAL 5B, WITH PYLORIC ATRESIA; Junctional Epidermolysis Bullosa- Pyloric Atresia Syndrome; ITGB4-Related Epidermolysis Bullosa with Pyloric Atresia; ITGA6-Related Epidermolysis Bullosa with Pyloric Atresia; Epidermolysis bullosa, junctional, with pyloric atresia and aplasia cutis congenita; Epidermolysis bullosa junctionalis with pyloric atresia. Identifiers: Orphanet 79403, MedGen C5676875, MONDO:0009183, OMIM 226730.
Epidermolysis bullosa, junctional 5A, intermediate. Also called: EPIDERMOLYSIS BULLOSA, JUNCTIONAL 5A, GENERALIZED INTERMEDIATE; EPIDERMOLYSIS BULLOSA, JUNCTIONAL 5A, NON-HERLITZ TYPE. Identifiers: MedGen C5676956, MONDO:0030768, OMIM 619816.

Allele frequency attached by ClinVar (database versions not stated): ESP Exome Variant Server 0.00008; gnomAD 0.00020 and 0.00027; TOPMed 0.00037; gnomAD exomes 0.00056; ExAC 0.00059; 1000 Genomes Project 30x 0.00109; 1000 Genomes Project 0.00140.
gnomAD v4.1: 496 of 1,614,056 alleles (0.031%); highest among the groups gnomAD compares: East Asian, 0.94%; 3 homozygotes.

Submissions (4):

Labcorp Genetics (formerly Invitae), Labcorp
Classification: Benign. Last evaluated: 2026-01-26. Review status: criteria provided, single submitter. Criteria: Invitae Variant Classification Sherloc (09022015). Collection method: clinical testing. Allele origin: germline.

Fulgent Genetics
Classification: Likely benign for Junctional epidermolysis bullosa with pyloric atresia; Epidermolysis bullosa, junctional 5A, intermediate. Last evaluated: 2021-08-24. Review status: criteria provided, single submitter. Criteria: ACMG Guidelines, 2015. Collection method: clinical testing. Allele origin: unknown.

Illumina Laboratory Services, Illumina
Classification: Likely benign for Junctional epidermolysis bullosa with pyloric atresia. Last evaluated: 2018-01-13. Review status: criteria provided, single submitter. Criteria: ICSL Variant Classification Criteria 13 December 2019. Collection method: clinical testing. Allele origin: germline.
Comment: This variant was observed in the ICSL laboratory as part of a predisposition screen in an ostensibly healthy population. It had not been previously curated by ICSL or reported in the Human Gene Mutation Database (HGMD: prior to June 1st, 2018), and was therefore a candidate for classification through an automated scoring system. Utilizing variant allele frequency, disease prevalence and penetrance estimates, and inheritance mode, an automated score was calculated to assess if this variant is too frequent to cause the disease. Based on the score and internal cut-off values, a variant classified as likely benign is not then subjected to further curation. The score for this variant resulted in a classification of likely benign for this disease.

PreventionGenetics, part of Exact Sciences
Classification: Likely benign for ITGB4-related condition. Last evaluated: 2022-02-03. Review status: no assertion criteria provided. Collection method: clinical testing. Allele origin: germline. Not counted in ClinVar's aggregate classification.
Comment: This variant is classified as likely benign based on ACMG/AMP sequence variant interpretation guidelines (Richards et al. 2015 PMID: 25741868, with internal and published modifications).